The following is an entry in ClinVar:

ClinVar aggregate classification (germline): Likely pathogenic (1 of 4 stars; one submission).

Conditions:
Developmental and epileptic encephalopathy, 29 (DEE29). Also called: Epileptic encephalopathy, early infantile, 29. Identifiers: Orphanet 442835, MedGen C4225361, MONDO:0014593, OMIM 616339.

Submission:

MVZ Medizinische Genetik Mainz
Classification: Likely pathogenic for Developmental and epileptic encephalopathy, 29. Last evaluated: 2026-07-23. Review status: criteria provided, single submitter. Criteria: UK Practice Guidelines For Variant Classification V4 01 2020. Collection method: clinical testing. Allele origin: germline. Inheritance: Autosomal recessive inheritance. Affected: yes. Observed: 1 variant allele.
Comment: ACMG Criteria: PVS1,PM2_SUP

NM_001605.3(AARS1):c.962+1G>A

Gene: AARS1 (alanyl-tRNA synthetase 1; minus strand). Cytogenetic location: 16q22.1.
Variant type: single nucleotide variant.
Coding change: c.962+1G>A on transcript NM_001605.3 (MANE Select); the canonical splice donor site of the intron after coding-DNA position 962, G replaced by A.
Molecular consequence: splice donor variant.
Genome position (GRCh38, 1-based): chr16:70,269,617, C>T on the plus strand (G>A on the coding strand, the complement: AARS1 is on the minus strand). VCF-style: chr16-70269617-C-T. GRCh37 (hg19) VCF-style: chr16-70303520-C-T.
Identifiers: ClinVar variation 4887029 (VCV004887029.1).